The following is an entry in ClinVar:

NM_032229.3(SLITRK6):c.1029T>C (p.Leu343=)

Gene: SLITRK6 (SLIT and NTRK like family member 6; minus strand). Cytogenetic location: 13q31.1.
Variant type: single nucleotide variant.
Coding change: c.1029T>C on transcript NM_032229.3 (MANE Select); coding-DNA position 1029, T replaced by C.
Protein change: p.Leu343=; no amino-acid change (leucine 343 retained).
Molecular consequence: synonymous variant.
Genome position (GRCh38, 1-based): chr13:85,795,480, A>G on the plus strand (T>C on the coding strand, the complement: SLITRK6 is on the minus strand). VCF-style: chr13-85795480-A-G. GRCh37 (hg19) VCF-style: chr13-86369615-A-G.
Other names: c.1029T>C (NM_032229.2).
Identifiers: ClinVar variation 929979 (VCV000929979.12), dbSNP rs200156618, ClinGen allele CA7015182.

ClinVar aggregate classification (germline): Benign/Likely benign. Review status: criteria provided, multiple submitters, no conflicts (2 of 4 stars). 3 submissions from 3 submitters: Benign (1); Likely benign (1). 1 of the submissions does not count toward it. Last evaluated 2021-09-10.

Conditions:
SLITRK6-related disorder. Also called: SLITRK6-related condition.

Allele frequency attached by ClinVar (database versions not stated): ExAC 0.00007; gnomAD 0.00007; ESP Exome Variant Server 0.00008; gnomAD exomes 0.00008 and 0.00016; TOPMed 0.00009.
gnomAD v4.1: 130 of 1,612,970 alleles (0.0081%); highest among the groups gnomAD compares: Middle Eastern, 0.033%; 1 homozygote.

Submissions (3):

Labcorp Genetics (formerly Invitae), Labcorp
Classification: Benign. Last evaluated: 2021-09-10. Review status: criteria provided, single submitter. Criteria: Invitae Variant Classification Sherloc (09022015). Collection method: clinical testing. Allele origin: germline.

Laboratory for Molecular Medicine, Mass General Brigham Personalized Medicine
Classification: Likely benign. Last evaluated: 2017-08-23. Review status: criteria provided, single submitter. Criteria: LMM Criteria. Collection method: clinical testing. Allele origin: germline. Observed: 1 variant allele.
Comment: p.Leu343Leu in exon 2 of SLITRK6: This variant is not expected to have clinical significance because it does not alter an amino acid residue and is not located within the splice consensus sequence. It has been identified in 0.01% (9/66598) of European chromosomes by the Exome Aggregation Consortium (ExAC; dbSNP rs200156618).

PreventionGenetics, part of Exact Sciences
Classification: Likely benign for SLITRK6-related condition. Last evaluated: 2024-09-20. Review status: no assertion criteria provided. Collection method: clinical testing. Allele origin: germline. Not counted in ClinVar's aggregate classification.
Comment: This variant is classified as likely benign based on ACMG/AMP sequence variant interpretation guidelines (Richards et al. 2015 PMID: 25741868, with internal and published modifications).